The following is an entry in ClinVar:

NM_003079.5(SMARCE1):c.1052C>G (p.Thr351Arg)

Gene: SMARCE1 (SWI/SNF related BAF chromatin remodeling complex subunit E1; minus strand). Cytogenetic location: 17q21.2.
Variant type: single nucleotide variant.
Coding change: c.1052C>G on transcript NM_003079.5 (MANE Select); coding-DNA position 1052, C replaced by G.
Protein change: p.Thr351Arg; replaces threonine 351 with arginine.
Molecular consequence: missense variant.
Genome position (GRCh38, 1-based): chr17:40,628,969, G>C on the plus strand (C>G on the coding strand, the complement: SMARCE1 is on the minus strand). VCF-style: chr17-40628969-G-C. GRCh37 (hg19) VCF-style: chr17-38785221-G-C.
Other names: short protein forms T351R.
Identifiers: ClinVar variation 839372 (VCV000839372.10), dbSNP rs932391748, ClinGen allele CA399361723.

ClinVar aggregate classification (germline): Conflicting classifications of pathogenicity. Review status: criteria provided, conflicting classifications (1 of 4 stars). 2 submissions from 2 submitters: Uncertain significance (1); Likely benign (1). Last evaluated 2023-12-27.

Conditions:
Hereditary cancer-predisposing syndrome. Also called: Neoplastic Syndromes, Hereditary; Tumor predisposition; Hereditary neoplastic syndrome; Hereditary Cancer Syndrome. Identifiers: Orphanet 140162, MedGen C0027672, MeSH D009386, MONDO:0015356.
Familial meningioma. Also called: Meningioma, familial, susceptibility to. Identifiers: Orphanet 263662, MedGen C3551915, MONDO:0011789, OMIM 607174.

Submissions (2):

Ambry Genetics
Classification: Likely benign for Hereditary cancer-predisposing syndrome. Last evaluated: 2023-12-27. Review status: criteria provided, single submitter. Criteria: Ambry Variant Classification Scheme 2023. Collection method: clinical testing. Allele origin: germline.

Labcorp Genetics (formerly Invitae), Labcorp
Classification: Uncertain significance for Familial meningioma. Last evaluated: 2022-10-24. Review status: criteria provided, single submitter. Criteria: Invitae Variant Classification Sherloc (09022015). Collection method: clinical testing. Allele origin: germline.
Comment: This sequence change replaces threonine, which is neutral and polar, with arginine, which is basic and polar, at codon 351 of the SMARCE1 protein (p.Thr351Arg). This variant is not present in population databases (gnomAD no frequency). This variant has not been reported in the literature in individuals affected with SMARCE1-related conditions. ClinVar contains an entry for this variant (Variation ID: 839372). Advanced modeling of protein sequence and biophysical properties (such as structural, functional, and spatial information, amino acid conservation, physicochemical variation, residue mobility, and thermodynamic stability) performed at Invitae indicates that this missense variant is not expected to disrupt SMARCE1 protein function. In summary, the available evidence is currently insufficient to determine the role of this variant in disease. Therefore, it has been classified as a Variant of Uncertain Significance.